The following is an entry in ClinVar:

NM_001130009.3(GEN1):c.937G>C (p.Glu313Gln)

Gene: GEN1 (GEN1 Holliday junction 5' flap endonuclease; plus strand). Cytogenetic location: 2p24.2.
Variant type: single nucleotide variant.
Coding change: c.937G>C on transcript NM_001130009.3 (MANE Select); coding-DNA position 937, G replaced by C.
Protein change: p.Glu313Gln; replaces glutamic acid 313 with glutamine.
Molecular consequence: missense variant.
Genome position (GRCh38, 1-based): chr2:17,772,768, G>C. VCF-style: chr2-17772768-G-C. GRCh37 (hg19) VCF-style: chr2-17954035-G-C.
Other names: c.937G>C, p.Glu313Gln (NM_182625.5); short protein forms E313Q.
Identifiers: ClinVar variation 3853519 (VCV003853519.1).

ClinVar aggregate classification (germline): Uncertain significance (1 of 4 stars; one submission).

Submission:

Ambry Genetics
Classification: Uncertain significance. Last evaluated: 2025-01-19. Review status: criteria provided, single submitter. Criteria: Ambry Variant Classification Scheme 2023. Collection method: clinical testing. Allele origin: germline.
Comment: The p.E313Q variant (also known as c.937G>C), located in coding exon 7 of the GEN1 gene, results from a G to C substitution at nucleotide position 937. The glutamic acid at codon 313 is replaced by glutamine, an amino acid with highly similar properties. This amino acid position is conserved. In addition, the in silico prediction for this alteration is inconclusive. Based on the available evidence, the clinical significance of this variant remains unclear.